The following is an entry in ClinVar:

NM_033022.4(RPS24):c.385A>C (p.Lys129Gln)

Gene: RPS24 (ribosomal protein S24; plus strand). Cytogenetic location: 10q22.3.
Variant type: single nucleotide variant.
Coding change: c.385A>C on transcript NM_033022.4 (MANE Select); coding-DNA position 385, A replaced by C.
Protein change: p.Lys129Gln; replaces lysine 129 with glutamine.
Molecular consequence: missense variant.
Genome position (GRCh38, 1-based): chr10:78,037,299, A>C. VCF-style: chr10-78037299-A-C. GRCh37 (hg19) VCF-style: chr10-79797057-A-C.
Other names: c.385A>C, p.Lys129Gln (NM_001026.5, NM_001142282.2, NM_001142283.2 and 2 more transcripts); short protein forms K129Q.
Identifiers: ClinVar variation 5018980 (VCV005018980.2).

ClinVar aggregate classification (germline): Uncertain significance (1 of 4 stars; one submission).

Conditions:
Diamond-Blackfan anemia 3 (DBA3). Also called: RPS24-Related Diamond-Blackfan Anemia. Identifiers: Orphanet 124, MedGen C1857719, MONDO:0012529, OMIM 610629.

Submission:

Juno Genomics, Hangzhou Juno Genomics, Inc
Classification: Uncertain significance for Diamond-Blackfan anemia 3. Review status: criteria provided, single submitter. Criteria: ACMG Guidelines, 2015. Collection method: clinical testing. Allele origin: germline.
Comment: Absent from controls (or at extremely low frequency if recessive) in Genome Aggregation Database.